The following is an entry in ClinVar:

ClinVar aggregate classification (germline): Uncertain significance (1 of 4 stars; one submission).

Submission:

Labcorp Genetics (formerly Invitae), Labcorp
Classification: Uncertain significance. Last evaluated: 2022-05-06. Review status: criteria provided, single submitter. Criteria: Invitae Variant Classification Sherloc (09022015). Collection method: clinical testing. Allele origin: germline.
Comment: In summary, the available evidence is currently insufficient to determine the role of this variant in disease. Therefore, it has been classified as a Variant of Uncertain Significance. Advanced modeling of protein sequence and biophysical properties (such as structural, functional, and spatial information, amino acid conservation, physicochemical variation, residue mobility, and thermodynamic stability) performed at Invitae indicates that this missense variant is expected to disrupt TYMP protein function. This variant has not been reported in the literature in individuals affected with TYMP-related conditions. This variant is not present in population databases (gnomAD no frequency). This sequence change replaces isoleucine, which is neutral and non-polar, with threonine, which is neutral and polar, at codon 143 of the TYMP protein (p.Ile143Thr).

NM_001953.5(TYMP):c.428T>C (p.Ile143Thr)

Gene: TYMP (thymidine phosphorylase; minus strand). Cytogenetic location: 22q13.33.
Variant type: single nucleotide variant.
Coding change: c.428T>C on transcript NM_001953.5 (MANE Select); coding-DNA position 428, T replaced by C.
Protein change: p.Ile143Thr; replaces isoleucine 143 with threonine.
Molecular consequence: missense variant.
Genome position (GRCh38, 1-based): chr22:50,528,600, A>G on the plus strand (T>C on the coding strand, the complement: TYMP is on the minus strand). VCF-style: chr22-50528600-A-G. GRCh37 (hg19) VCF-style: chr22-50967029-A-G.
Other names: c.428T>C, p.Ile143Thr (NM_001113755.3, NM_001113756.3, NM_001257988.1 and 1 more transcripts); short protein forms I143T.
Identifiers: ClinVar variation 2131751 (VCV002131751.4), dbSNP rs2522539590, ClinGen allele CA412201864.